The following is an entry in ClinVar:

NC_000016.9:g.(?_15758636)_(16292059_?)del

Genes: ABCC1 (ATP binding cassette subfamily C member 1 (ABCC1 blood group); plus strand), ABCC6 (ATP binding cassette subfamily C member 6; minus strand), CEP20 (centrosomal protein 20; minus strand), MYH11 (myosin heavy chain 11; minus strand), NDE1 (nudE neurodevelopment protein 1; plus strand). Cytogenetic location: 16p13.11.
Variant type: Deletion.
Identifiers: ClinVar variation 3243619 (VCV003243619.1).

ClinVar aggregate classification (germline): Pathogenic (1 of 4 stars; one submission).

Submission:

Labcorp Genetics (formerly Invitae), Labcorp
Classification: Pathogenic. Last evaluated: 2023-12-19. Review status: criteria provided, single submitter. Criteria: Invitae Variant Classification Sherloc (09022015). Collection method: clinical testing. Allele origin: unknown.
Comment: This variant is a gross deletion of the genomic region encompassing exon(s) 10-31 of the ABCC6 gene, which includes the termination codon. This deletion extends beyond the assayed region for this gene and therefore may encompass additional genes. While this deletion is not anticipated to lead to nonsense mediated decay, it is expected to alter mRNA translation or result in a truncated protein product. This variant has not been reported in the literature in individuals affected with ABCC6-related conditions. The region of the ABCC6 gene that includes exon(s) 24-27 has been determined to be clinically significant (PMID: 17823974, 25367056). Therefore, deletions that encompass that region are likely to be disease-causing. For these reasons, this variant has been classified as Pathogenic.

Literature cited by the submitters: PubMed 17823974; PubMed 25367056.